The following is an entry in ClinVar:

ClinVar aggregate classification (germline): Benign (1 of 4 stars; one submission).

Conditions:
Sessile serrated polyposis cancer syndrome (SSPCS). Identifiers: Orphanet 157798, MedGen C4310714, MONDO:0014919, OMIM 617108.

Submission:

Myriad Genetics, Inc.
Classification: Benign for Sessile serrated polyposis cancer syndrome. Last evaluated: 2026-07-02. Review status: criteria provided, single submitter. Criteria: Myriad Autosomal Dominant, Autosomal Recessive and X-Linked Classification Criteria (2023). Collection method: clinical testing. Allele origin: unknown.
Comment: This variant is considered benign. This variant is a silent/synonymous amino acid change and it is not expected to impact splicing.

NM_017763.6(RNF43):c.1617A>G (p.Thr539=)

Gene: RNF43 (ring finger protein 43; minus strand). Cytogenetic location: 17q22.
Variant type: single nucleotide variant.
Coding change: c.1617A>G on transcript NM_017763.6 (MANE Select); coding-DNA position 1617, A replaced by G.
Protein change: p.Thr539=; no amino-acid change (threonine 539 retained).
Molecular consequence: synonymous variant.
Genome position (GRCh38, 1-based): chr17:58,358,159, T>C on the plus strand (A>G on the coding strand, the complement: RNF43 is on the minus strand). VCF-style: chr17-58358159-T-C. GRCh37 (hg19) VCF-style: chr17-56435520-T-C.
Other names: c.1617A>G, p.Thr539= (NM_001305544.3, NM_001438820.1, NM_001438821.1 and 1 more transcripts); c.1236A>G, p.Thr412= (NM_001305545.2, NM_001437987.1).
Identifiers: ClinVar variation 5042379 (VCV005042379.1).